The following is an entry in ClinVar:

NM_005476.7(GNE):c.1307A>C (p.Gln436Pro)

Gene: GNE (glucosamine (UDP-N-acetyl)-2-epimerase/N-acetylmannosamine kinase; minus strand). Cytogenetic location: 9p13.3.
Variant type: single nucleotide variant.
Coding change: c.1307A>C on transcript NM_005476.7 (MANE Select); coding-DNA position 1307, A replaced by C.
Protein change: p.Gln436Pro; replaces glutamine 436 with proline.
Molecular consequence: missense variant.
Genome position (GRCh38, 1-based): chr9:36,223,477, T>G on the plus strand (A>C on the coding strand, the complement: GNE is on the minus strand). VCF-style: chr9-36223477-T-G. GRCh37 (hg19) VCF-style: chr9-36223474-T-G.
Other names: c.1400A>C, p.Gln467Pro (NM_001128227.3); c.1307A>C, p.Gln436Pro (NM_001190383.3); c.977A>C, p.Gln326Pro (NM_001190384.3); c.1130A>C, p.Gln377Pro (NM_001190388.2, NM_001374798.1); c.1154A>C, p.Gln385Pro (NM_001374797.1); short protein forms Q326P, Q377P, Q385P, Q436P, Q467P.
Identifiers: ClinVar variation 3772580 (VCV003772580.13).

ClinVar aggregate classification (germline): Uncertain significance (1 of 4 stars; one submission).

Submission:

CeGaT Center for Human Genetics Tuebingen
Classification: Uncertain significance. Last evaluated: 2025-02-01. Review status: criteria provided, single submitter. Criteria: CeGaT Center For Human Genetics Tuebingen Variant Classification Criteria Version 2. Collection method: clinical testing. Allele origin: germline. Affected: yes. Observed: 1 variant allele.
Comment: GNE: PM2, PM3:Supporting